The following is an entry in ClinVar:

NM_001080449.3(DNA2):c.2866C>T (p.Arg956Cys)

Gene: DNA2 (DNA replication helicase/nuclease 2; minus strand). Cytogenetic location: 10q21.3.
Variant type: single nucleotide variant.
Coding change: c.2866C>T on transcript NM_001080449.3 (MANE Select); coding-DNA position 2866, C replaced by T.
Protein change: p.Arg956Cys; replaces arginine 956 with cysteine.
Molecular consequence: missense variant. On other transcripts: non-coding transcript variant (1).
Genome position (GRCh38, 1-based): chr10:68,419,135, G>A on the plus strand (C>T on the coding strand, the complement: DNA2 is on the minus strand). VCF-style: chr10-68419135-G-A. GRCh37 (hg19) VCF-style: chr10-70178892-G-A.
Other names: short protein forms R956C.
Identifiers: ClinVar variation 2168404 (VCV002168404.4), dbSNP rs755201139, ClinGen allele CA5524717.

ClinVar aggregate classification (germline): Uncertain significance (1 of 4 stars; one submission).

Allele frequency attached by ClinVar (database versions not stated): ExAC 0.00001; TOPMed 0.00001.
gnomAD v4.1: 5 of 1,613,116 alleles (0.00031%); highest among the groups gnomAD compares: Admixed American, 0.0017%; no homozygotes.

Submission:

Labcorp Genetics (formerly Invitae), Labcorp
Classification: Uncertain significance. Last evaluated: 2025-08-18. Review status: criteria provided, single submitter. Criteria: Invitae Variant Classification Sherloc (09022015). Collection method: clinical testing. Allele origin: germline.
Comment: This sequence change replaces arginine, which is basic and polar, with cysteine, which is neutral and slightly polar, at codon 956 of the DNA2 protein (p.Arg956Cys). This variant is present in population databases (rs755201139, gnomAD 0.003%). This variant has not been reported in the literature in individuals affected with DNA2-related conditions. ClinVar contains an entry for this variant (Variation ID: 2168404). Invitae Evidence Modeling of protein sequence and biophysical properties (such as structural, functional, and spatial information, amino acid conservation, physicochemical variation, residue mobility, and thermodynamic stability) indicates that this missense variant is not expected to disrupt DNA2 protein function with a negative predictive value of 80%. In summary, the available evidence is currently insufficient to determine the role of this variant in disease. Therefore, it has been classified as a Variant of Uncertain Significance.